The following is an entry in ClinVar:

ClinVar aggregate classification (germline): Pathogenic (0 of 4 stars; one submission).

Conditions:
Hereditary spastic paraplegia 56. Also called: SPASTIC PARAPLEGIA 56, AUTOSOMAL RECESSIVE, WITH OR WITHOUT PSEUDOXANTHOMA ELASTICUM; Spastic paraplegia 56, autosomal recessive; Spastic Paraplegia 56. Identifiers: Orphanet 320411, MedGen C3539507, MONDO:0014015, OMIM 615030.

Submission:

Department of Traditional Chinese Medicine, Fujian Provincial Hospital
Classification: Pathogenic for Hereditary spastic paraplegia 56. Review status: no assertion criteria provided. Collection method: research. Allele origin: de novo. Affected: no.
Comment: Imaging showed thinning of the corpus callosum and the "lynx ear" sign. Genetic spastic paraplegia type 56 is considered. According to ACMG scoring, this mutation is Likely Pathogenic. Relevant mutations have been previously reported by Wang et al. and A. Kariminejad et al. (PMID: 38058766,PMID:27292318),this mutation is consistent with Likely Pathogenic according to ACMG score and has not been reported so far. Therefore, we consider this novel compound heterozygous mutation to be pathogenic.

Literature cited by the submitters: PubMed 27292318.

NM_183075.3(CYP2U1):c.913C>T (p.His305Tyr)

Gene: CYP2U1 (cytochrome P450 family 2 subfamily U member 1; plus strand). Cytogenetic location: 4q25.
Variant type: single nucleotide variant.
Coding change: c.913C>T on transcript NM_183075.3 (MANE Select); coding-DNA position 913, C replaced by T.
Protein change: p.His305Tyr; replaces histidine 305 with tyrosine.
Molecular consequence: missense variant.
Genome position (GRCh38, 1-based): chr4:107,945,392, C>T. VCF-style: chr4-107945392-C-T. GRCh37 (hg19) VCF-style: chr4-108866548-C-T.
Other names: short protein forms H305Y.
Identifiers: ClinVar variation 3255488 (VCV003255488.2), dbSNP rs2477023952.